The following is an entry in ClinVar:

NM_173660.5(DOK7):c.383C>T (p.Pro128Leu)

Gene: DOK7 (docking protein 7; plus strand). Cytogenetic location: 4p16.3.
Variant type: single nucleotide variant.
Coding change: c.383C>T on transcript NM_173660.5 (MANE Select); coding-DNA position 383, C replaced by T.
Protein change: p.Pro128Leu; replaces proline 128 with leucine.
Molecular consequence: missense variant. On other transcripts: intron variant (1).
Genome position (GRCh38, 1-based): chr4:3,476,393, C>T. VCF-style: chr4-3476393-C-T. GRCh37 (hg19) VCF-style: chr4-3478120-C-T.
Other names: c.383C>T (NM_173660.4); c.383C>T, p.Pro128Leu (NM_001164673.2, NM_001301071.2); c.101-9146C>T (NM_001363811.2); short protein forms P128L.
Identifiers: ClinVar variation 1427882 (VCV001427882.4), dbSNP rs376659660, ClinGen allele CA2828985.

ClinVar aggregate classification (germline): Uncertain significance. Review status: criteria provided, multiple submitters, no conflicts (2 of 4 stars). 2 submissions from 2 submitters: Uncertain significance (2). Last evaluated 2023-06-06.

Conditions:
Congenital myasthenic syndrome 10. Also called: Myasthenia, limb-girdle, familial. Identifiers: Orphanet 590, MedGen C1850792, MONDO:0009690, OMIM 254300.
Fetal akinesia deformation sequence 1 (FADS1). Also called: Pena-Shokeir syndrome type I; Fetal akinesia sequence. Identifiers: Orphanet 994, MedGen C1276035, MONDO:0100101, OMIM 208150, HP:0001989.
Inborn genetic diseases. Identifiers: MedGen C0950123, MeSH D030342.

Allele frequency attached by ClinVar (database versions not stated): gnomAD 0.00001 and 0.00003; ExAC 0.00002; gnomAD exomes 0.00003; ESP Exome Variant Server 0.00008; 1000 Genomes Project 30x 0.00016; 1000 Genomes Project 0.00020.
gnomAD v4.1: 40 of 1,613,106 alleles (0.0025%); highest among the groups gnomAD compares: East Asian, 0.0067%; no homozygotes.

Submissions (2):

Ambry Genetics
Classification: Uncertain significance for Inborn genetic diseases. Last evaluated: 2023-06-06. Review status: criteria provided, single submitter. Criteria: Ambry Variant Classification Scheme 2023. Collection method: clinical testing. Allele origin: germline.

Labcorp Genetics (formerly Invitae), Labcorp
Classification: Uncertain significance for Congenital myasthenic syndrome 10; Fetal akinesia deformation sequence 1. Last evaluated: 2022-07-25. Review status: criteria provided, single submitter. Criteria: Invitae Variant Classification Sherloc (09022015). Collection method: clinical testing. Allele origin: germline.
Comment: This sequence change replaces proline, which is neutral and non-polar, with leucine, which is neutral and non-polar, at codon 128 of the DOK7 protein (p.Pro128Leu). This variant is present in population databases (rs376659660, gnomAD 0.006%). This variant has not been reported in the literature in individuals affected with DOK7-related conditions. ClinVar contains an entry for this variant (Variation ID: 1427882). Algorithms developed to predict the effect of missense changes on protein structure and function output the following: SIFT: "Deleterious"; PolyPhen-2: "Probably Damaging"; Align-GVGD: "Class C15". The leucine amino acid residue is found in multiple mammalian species, which suggests that this missense change does not adversely affect protein function. In summary, the available evidence is currently insufficient to determine the role of this variant in disease. Therefore, it has been classified as a Variant of Uncertain Significance.